The following is an entry in ClinVar:

ClinVar aggregate classification (germline): Uncertain significance (1 of 4 stars; one submission).

Allele frequency attached by ClinVar (database versions not stated): gnomAD exomes below 0.00001; TOPMed 0.00001; gnomAD 0.00002.
gnomAD v4.1: 5 of 1,614,026 alleles (0.00031%); highest among the groups gnomAD compares: Middle Eastern, 0.016%; no homozygotes.

Submission:

Labcorp Genetics (formerly Invitae), Labcorp
Classification: Uncertain significance. Last evaluated: 2022-03-27. Review status: criteria provided, single submitter. Criteria: Invitae Variant Classification Sherloc (09022015). Collection method: clinical testing. Allele origin: germline.
Comment: This sequence change replaces lysine, which is basic and polar, with arginine, which is basic and polar, at codon 1115 of the NSD1 protein (p.Lys1115Arg). In summary, the available evidence is currently insufficient to determine the role of this variant in disease. Therefore, it has been classified as a Variant of Uncertain Significance. Advanced modeling of protein sequence and biophysical properties (such as structural, functional, and spatial information, amino acid conservation, physicochemical variation, residue mobility, and thermodynamic stability) performed at Invitae indicates that this missense variant is not expected to disrupt NSD1 protein function. This variant has not been reported in the literature in individuals affected with NSD1-related conditions. This variant is not present in population databases (gnomAD no frequency).

NM_022455.5(NSD1):c.3344A>G (p.Lys1115Arg)

Gene: NSD1 (nuclear receptor binding SET domain protein 1; plus strand). Cytogenetic location: 5q35.3.
Variant type: single nucleotide variant.
Coding change: c.3344A>G on transcript NM_022455.5 (MANE Select); coding-DNA position 3344, A replaced by G.
Protein change: p.Lys1115Arg; replaces lysine 1115 with arginine.
Molecular consequence: missense variant.
Genome position (GRCh38, 1-based): chr5:177,211,743, A>G. VCF-style: chr5-177211743-A-G. GRCh37 (hg19) VCF-style: chr5-176638744-A-G.
Other names: c.2471A>G, p.Lys824Arg (NM_001365684.2, NM_001409306.1, NM_001409307.1 and 3 more transcripts); c.3344A>G, p.Lys1115Arg (NM_001409301.1, NM_001409302.1, NM_001409303.1); c.2924A>G, p.Lys975Arg (NM_001409304.1); c.2591A>G, p.Lys864Arg (NM_001409305.1); short protein forms K1115R, K846R, K864R, K975R, K824R.
Identifiers: ClinVar variation 2140167 (VCV002140167.4), dbSNP rs1763360654, ClinGen allele CA362323871.